The following is an entry in ClinVar:

NM_033109.5(PNPT1):c.2224G>A (p.Asp742Asn)

Gene: PNPT1 (polyribonucleotide nucleotidyltransferase 1; minus strand). Cytogenetic location: 2p16.1.
Variant type: single nucleotide variant.
Coding change: c.2224G>A on transcript NM_033109.5 (MANE Select); coding-DNA position 2224, G replaced by A.
Protein change: p.Asp742Asn; replaces aspartic acid 742 with asparagine.
Molecular consequence: missense variant.
Genome position (GRCh38, 1-based): chr2:55,636,365, C>T on the plus strand (G>A on the coding strand, the complement: PNPT1 is on the minus strand). VCF-style: chr2-55636365-C-T. GRCh37 (hg19) VCF-style: chr2-55863500-C-T.
Other names: c.2224G>A (NM_033109.4); short protein forms D742N.
Identifiers: ClinVar variation 1432684 (VCV001432684.4), dbSNP rs187750584, ClinGen allele CA1667738.

ClinVar aggregate classification (germline): Uncertain significance. Review status: criteria provided, multiple submitters, no conflicts (2 of 4 stars). 3 submissions from 3 submitters: Uncertain significance (3). Last evaluated 2026-08-03.

Conditions:
PNPT1-related disorder. Also called: PNPT1-related disorders; PNPT1-related condition.

Allele frequency attached by ClinVar (database versions not stated): ExAC 0.00003; gnomAD 0.00003; gnomAD exomes 0.00004; TOPMed 0.00004; ESP Exome Variant Server 0.00008; 1000 Genomes Project 30x 0.00031; 1000 Genomes Project 0.00040.
gnomAD v4.1: 35 of 1,614,052 alleles (0.0022%); highest among the groups gnomAD compares: African/African-American, 0.02%; no homozygotes.

Submissions (3):

PreventionGenetics, part of Exact Sciences
Classification: Uncertain significance for PNPT1-related condition. Last evaluated: 2026-08-03. Review status: criteria provided, single submitter. Criteria: ACMG Guidelines, 2015. Collection method: clinical testing. Allele origin: germline.
Comment: The PNPT1 c.2224G>A variant is predicted to result in the amino acid substitution p.Asp742Asn. To our knowledge, this variant has not been reported in the literature. This variant is reported in 0.025% of alleles in individuals of African descent in gnomAD. At this time, the clinical significance of this variant is uncertain due to the absence of conclusive functional and genetic evidence.

GeneDx
Classification: Uncertain significance. Last evaluated: 2022-10-14. Review status: criteria provided, single submitter. Criteria: GeneDx Variant Classification Process June 2021. Collection method: clinical testing. Allele origin: germline. Affected: yes.
Comment: In silico analysis supports that this missense variant does not alter protein structure/function; Has not been previously published as pathogenic or benign to our knowledge

Labcorp Genetics (formerly Invitae), Labcorp
Classification: Uncertain significance. Last evaluated: 2022-06-28. Review status: criteria provided, single submitter. Criteria: Invitae Variant Classification Sherloc (09022015). Collection method: clinical testing. Allele origin: germline.
Comment: This sequence change replaces aspartic acid, which is acidic and polar, with asparagine, which is neutral and polar, at codon 742 of the PNPT1 protein (p.Asp742Asn). This variant is present in population databases (rs187750584, gnomAD 0.03%). This variant has not been reported in the literature in individuals affected with PNPT1-related conditions. Advanced modeling of protein sequence and biophysical properties (such as structural, functional, and spatial information, amino acid conservation, physicochemical variation, residue mobility, and thermodynamic stability) performed at Invitae indicates that this missense variant is not expected to disrupt PNPT1 protein function. In summary, the available evidence is currently insufficient to determine the role of this variant in disease. Therefore, it has been classified as a Variant of Uncertain Significance.